The following is an entry in ClinVar:

ClinVar aggregate classification (germline): Pathogenic (1 of 4 stars; one submission).

Submission:

Labcorp Genetics (formerly Invitae), Labcorp
Classification: Pathogenic. Last evaluated: 2021-11-15. Review status: criteria provided, single submitter. Criteria: Invitae Variant Classification Sherloc (09022015). Collection method: clinical testing. Allele origin: germline.
Comment: This variant is not present in population databases (gnomAD no frequency). This variant has not been reported in the literature in individuals affected with VPS13A-related conditions. For these reasons, this variant has been classified as Pathogenic. This sequence change creates a premature translational stop signal (p.Gly914Valfs*11) in the VPS13A gene. It is expected to result in an absent or disrupted protein product. Loss-of-function variants in VPS13A are known to be pathogenic (PMID: 12404112, 21598378).

Literature cited by the submitters: PubMed 12404112; PubMed 21598378.

NM_033305.3(VPS13A):c.2741del (p.Gly914fs)

Gene: VPS13A (vacuolar protein sorting 13 homolog A; plus strand). Cytogenetic location: 9q21.2.
Variant type: Deletion.
Coding change: c.2741del on transcript NM_033305.3 (MANE Select); coding-DNA position 2741, one base deleted (G; older notation c.2741delG).
Protein change: p.Gly914fs; shifts the reading frame from glycine 914.
Molecular consequence: frameshift variant.
Genome position (GRCh38, 1-based): chr9:77,276,138, G deleted; the last of 3 consecutive G bases (chr9:77,276,136-77,276,138); deleting any one gives the same sequence. VCF-style (leftmost placement, unchanged base first): chr9-77276135-TG-T. GRCh37 (hg19) VCF-style: chr9-79891051-TG-T.
Other names: c.2741del, p.Gly914fs (NM_001018037.2, NM_001018038.3, NM_015186.4); short protein forms G914fs.
Identifiers: ClinVar variation 1421119 (VCV001421119.6), dbSNP rs2131332519, ClinGen allele CA2573144713.